The following is an entry in ClinVar:

ClinVar aggregate classification (germline): Benign/Likely benign. Review status: criteria provided, multiple submitters, no conflicts (2 of 4 stars). 12 submissions from 12 submitters: Benign (9); Likely benign (1). 2 of the submissions do not count toward it. Last evaluated 2026-02-04.

Conditions:
Primary ciliary dyskinesia. Also called: Ciliary dyskinesia. Identifiers: Orphanet 244, MedGen C0008780, MONDO:0016575, HP:0012265.
Primary ciliary dyskinesia 13. Also called: CILIARY DYSKINESIA, PRIMARY, 13, WITH OR WITHOUT SITUS INVERSUS. Identifiers: Orphanet 244, MedGen C2750790, MONDO:0013174, OMIM 613193.

Allele frequency attached by ClinVar (database versions not stated): 1000 Genomes Project 30x 0.27577; 1000 Genomes Project 0.28055; ESP Exome Variant Server 0.29903; gnomAD 0.30436 and 0.30535; TOPMed 0.30581; ExAC 0.34271; gnomAD exomes 0.34415 and 0.36748.
gnomAD v4.1: 582,493 of 1,613,566 alleles (36%); highest among the groups gnomAD compares: Non-Finnish European, 38%; 107,765 homozygotes.

Submissions (12):

Labcorp Genetics (formerly Invitae), Labcorp
Classification: Benign for Primary ciliary dyskinesia. Last evaluated: 2026-02-04. Review status: criteria provided, single submitter. Criteria: Invitae Variant Classification Sherloc (09022015). Collection method: clinical testing. Allele origin: germline.

Blueprint Genetics
Classification: Likely benign. Last evaluated: 2024-11-27. Review status: criteria provided, single submitter. Criteria: ACMG Guidelines, 2015. Collection method: clinical testing. Allele origin: germline.

Mayo Clinic Laboratories, Mayo Clinic
Classification: Benign. Last evaluated: 2022-04-26. Review status: criteria provided, single submitter. Criteria: ACMG Guidelines, 2015. Collection method: clinical testing. Allele origin: germline. Observed: 130 variant alleles.

Genome-Nilou Lab
Classification: Benign for Primary ciliary dyskinesia 13. Last evaluated: 2021-07-30. Review status: criteria provided, single submitter. Criteria: ACMG Guidelines, 2015. Collection method: clinical testing. Allele origin: germline. Affected: no.

GeneDx
Classification: Benign. Last evaluated: 2018-11-10. Review status: criteria provided, single submitter. Criteria: GeneDx Variant Classification Process June 2021. Collection method: clinical testing. Allele origin: germline. Affected: yes.

Illumina Laboratory Services, Illumina
Classification: Benign for Primary ciliary dyskinesia 13. Last evaluated: 2018-01-12. Review status: criteria provided, single submitter. Criteria: ICSL Variant Classification Criteria 13 December 2019. Collection method: clinical testing. Allele origin: germline.
Comment: This variant was observed in the ICSL laboratory as part of a predisposition screen in an ostensibly healthy population. It had not been previously curated by ICSL or reported in the Human Gene Mutation Database (HGMD: prior to June 1st, 2018), and was therefore a candidate for classification through an automated scoring system. Utilizing variant allele frequency, disease prevalence and penetrance estimates, and inheritance mode, an automated score was calculated to assess if this variant is too frequent to cause the disease. Based on the score and internal cut-off values, a variant classified as benign is not then subjected to further curation. The score for this variant resulted in a classification of benign for this disease.

Laboratory for Molecular Medicine, Mass General Brigham Personalized Medicine
Classification: Benign. Last evaluated: 2015-05-06. Review status: criteria provided, single submitter. Criteria: LMM Criteria. Collection method: clinical testing. Allele origin: germline. Observed: 40 variant alleles.
Comment: p.Pro502Leu in exon 8 of DNAAF1: This variant is not expected to have clinical s ignificance because it has been identified in 37.5% (24168/64438) of European ch romosomes by the Exome Aggregation Consortium (ExAC. org; dbSNP rs11644164).

Ambry Genetics
Classification: Benign for Primary ciliary dyskinesia. Last evaluated: 2014-12-10. Review status: criteria provided, single submitter. Criteria: Ambry Variant Classification Scheme 2023. Collection method: clinical testing. Allele origin: germline.

Breakthrough Genomics
Classification: Benign. Review status: criteria provided, single submitter. Criteria: ACMG Guidelines, 2015. Collection method: not provided. Allele origin: germline. Inheritance: Autosomal recessive inheritance. Affected: yes.

PreventionGenetics, part of Exact Sciences
Classification: Benign. Review status: criteria provided, single submitter. Criteria: ACMG Guidelines, 2015. Collection method: clinical testing. Allele origin: germline.

Clinical Genetics DNA and cytogenetics Diagnostics Lab, Erasmus MC, Erasmus Medical Center
Classification: Benign. Review status: no assertion criteria provided. Collection method: clinical testing. Allele origin: germline. Affected: yes. Study: VKGL Data-share Consensus. Not counted in ClinVar's aggregate classification.

Joint Genome Diagnostic Labs from Nijmegen and Maastricht, Radboudumc and MUMC+
Classification: Benign. Review status: no assertion criteria provided. Collection method: clinical testing. Allele origin: germline. Affected: yes. Study: VKGL Data-share Consensus. Not counted in ClinVar's aggregate classification.

NM_178452.6(DNAAF1):c.1505C>T (p.Pro502Leu)

Gene: DNAAF1 (dynein axonemal assembly factor 1; plus strand). Cytogenetic location: 16q24.1.
Variant type: single nucleotide variant.
Coding change: c.1505C>T on transcript NM_178452.6 (MANE Select); coding-DNA position 1505, C replaced by T.
Protein change: p.Pro502Leu; replaces proline 502 with leucine.
Molecular consequence: missense variant.
Genome position (GRCh38, 1-based): chr16:84,170,333, C>T. VCF-style: chr16-84170333-C-T. GRCh37 (hg19) VCF-style: chr16-84203939-C-T.
Other names: c.797C>T, p.Pro266Leu (NM_001318756.1); short protein forms P502L, P266L.
Identifiers: ClinVar variation 226575 (VCV000226575.32), dbSNP rs11644164, ClinGen allele CA8202878.
Genomic context (GRCh38, chr16:84,170,333, plus strand): 5'-AAGGAGAGGATGGAGATCGAGAGCCAGAGGGGACCCTCCCAGCTGAGGCCCCACCACCAC[C>T]GCCCCTGGGAGCTGCCAGGGAAGGTAATGTGAGCGGAGAAACACACACAGACACACACAC-3'
Protein context (NP_848547.4, residues 492-512): GTLPAEAPPP[Pro502Leu]PLGAAREEPT